The following is an entry in ClinVar:

NM_000155.4(GALT):c.328+32G>A

Gene: GALT (galactose-1-phosphate uridylyltransferase; plus strand). Cytogenetic location: 9p13.3.
Variant type: single nucleotide variant.
Coding change: c.328+32G>A on transcript NM_000155.4 (MANE Select); 32 bases into the intron after coding-DNA position 328, G replaced by A.
Molecular consequence: intron variant.
Genome position (GRCh38, 1-based): chr9:34,647,599, G>A. VCF-style: chr9-34647599-G-A. GRCh37 (hg19) VCF-style: chr9-34647596-G-A.
Other names: p.?; c.51-233G>A (NM_001258332.2).
Identifiers: ClinVar variation 4541436 (VCV004541436.1).
Genomic context (GRCh38, chr9:34,647,599, plus strand): 5'-AGCTCTGCAGCCTGATGCCCCCAGTCCAGGTAACCTGGCTCCAACTGCTGCTGGGGAGGA[G>A]GGTGGCTAGACCTCTTGAGGGACTTCTGCTGCAGAGAGTGATACTCCTTTACCTCAGGAC-3'

ClinVar aggregate classification (germline): Uncertain significance (1 of 4 stars; one submission).

gnomAD v4.1: 1 of 1,614,062 alleles (0.000062%); highest among the groups gnomAD compares: Middle Eastern, 0.016%; no homozygotes.

Submission:

Mayo Clinic Laboratories, Mayo Clinic
Classification: Uncertain significance. Last evaluated: 2024-11-29. Review status: criteria provided, single submitter. Criteria: ACMG Guidelines, 2015. Collection method: clinical testing. Allele origin: germline. Observed: 1 variant allele.
Comment: PM2_supporting